The following is an entry in ClinVar:

ClinVar aggregate classification (germline): Uncertain significance (1 of 4 stars; one submission).

Conditions:
Retinoblastoma (RB1). Also called: RETINOBLASTOMA, SOMATIC. Identifiers: Orphanet 790, MedGen C0035335, MeSH D012175, MONDO:0008380, OMIM 180200, HP:0009919. Disease mechanism: loss of function. Inheritance: Both sporadic and heritable forms are tested..

Submission:

Labcorp Genetics (formerly Invitae), Labcorp
Classification: Uncertain significance for Retinoblastoma. Last evaluated: 2024-09-11. Review status: criteria provided, single submitter. Criteria: Invitae Variant Classification Sherloc (09022015). Collection method: clinical testing. Allele origin: germline.
Comment: This sequence change replaces leucine, which is neutral and non-polar, with serine, which is neutral and polar, at codon 832 of the RB1 protein (p.Leu832Ser). This variant is not present in population databases (gnomAD no frequency). This variant has not been reported in the literature in individuals affected with RB1-related conditions. Invitae Evidence Modeling of protein sequence and biophysical properties (such as structural, functional, and spatial information, amino acid conservation, physicochemical variation, residue mobility, and thermodynamic stability) indicates that this missense variant is not expected to disrupt RB1 protein function with a negative predictive value of 80%. In summary, the available evidence is currently insufficient to determine the role of this variant in disease. Therefore, it has been classified as a Variant of Uncertain Significance.

NM_000321.3(RB1):c.2495T>C (p.Leu832Ser)

Gene: RB1 (RB transcriptional corepressor 1; plus strand). Cytogenetic location: 13q14.2.
Variant type: single nucleotide variant.
Coding change: c.2495T>C on transcript NM_000321.3 (MANE Select); coding-DNA position 2495, T replaced by C.
Protein change: p.Leu832Ser; replaces leucine 832 with serine.
Molecular consequence: missense variant.
Genome position (GRCh38, 1-based): chr13:48,473,365, T>C. VCF-style: chr13-48473365-T-C. GRCh37 (hg19) VCF-style: chr13-49047501-T-C.
Other names: c.2495T>C, p.Leu832Ser (NM_001407165.1); short protein forms L832S.
Identifiers: ClinVar variation 3703261 (VCV003703261.2).